The following is an entry in ClinVar:

NM_023110.3(FGFR1):c.1663+2T>G

Gene: FGFR1 (fibroblast growth factor receptor 1; minus strand). Cytogenetic location: 8p11.23.
Variant type: single nucleotide variant.
Coding change: c.1663+2T>G on transcript NM_023110.3 (MANE Select); the canonical splice donor site of the intron after coding-DNA position 1663, T replaced by G.
Molecular consequence: splice donor variant.
Genome position (GRCh38, 1-based): chr8:38,417,304, A>C on the plus strand (T>G on the coding strand, the complement: FGFR1 is on the minus strand). VCF-style: chr8-38417304-A-C. GRCh37 (hg19) VCF-style: chr8-38274822-A-C.
Other names: c.1384+2T>G (NM_001354368.2); c.1390+2T>G (NM_001354370.2, NM_023106.3); c.1396+2T>G (NM_023105.3, NM_001174066.2); c.1657+2T>G (NM_001354367.2, NM_015850.4, NM_001174063.2 and 1 more transcripts); c.1633+2T>G (NM_001174064.2); c.1651+2T>G (NM_001354369.2, NM_001410922.1); c.1756+2T>G (NM_001174067.2).
Identifiers: ClinVar variation 2637945 (VCV002637945.1), dbSNP rs2150624538, ClinGen allele CA370731945.
Genomic context (GRCh38, chr8:38,417,304, plus strand): 5'-TGATACCCCAGCTCAGATCTTCTCCCCGCTGGGCAGGGAAAGCCAGTCTGGCCGGCACCC[A>C]CCATCCTGCGTGCAGGCCCCCAGCAGGTTGATGATATTCTTATGCTTCCCGATCATCTTC-3'

ClinVar aggregate classification (germline): Uncertain significance (1 of 4 stars; one submission).

Conditions:
Hartsfield-Bixler-Demyer syndrome (HRTFDS). Also called: Hartsfield syndrome; Holoprosencephaly, ectrodactyly, and bilateral cleft lip/palate; FGFR1-Related Hartsfield Syndrome. Identifiers: Orphanet 2117, MedGen C1845146, MONDO:0014196, OMIM 615465. Disease mechanism: loss of function.

Submission:

Illumina Laboratory Services, Illumina
Classification: Uncertain significance for Hartsfield-Bixler-Demyer syndrome. Last evaluated: 2023-09-01. Review status: criteria provided, single submitter. Criteria: ICSLVariantClassificationCriteria RUGD 01 April 2020. Collection method: clinical testing. Allele origin: unknown.
Comment: The FGFR1 c.1663+2T>G results in a substitution at the consensus splice donor site which may result in splicing defects. Loss of function variants are not an established mechanism of disease, with missense and in-frame variants primarily associated with Hartsfield syndrome. To our knowledge, this variant has not been reported in the peer-reviewed literature in association with Hartsfield syndrome. The c.1663+2T>G variant is not observed in version 2.1.1 or version 3.1.2 of the Genome Aggregation Database. Based on the available evidence, the c.1663+2T>G variant is classified as a variant of uncertain significance for Hartsfield syndrome.